The following is an entry in ClinVar:

NM_001458.5(FLNC):c.878_901dup (p.Val300_Gln301insLeuGlnProAlaHisPheThrVal)

Gene: FLNC (filamin C; plus strand). Cytogenetic location: 7q32.1.
Variant type: Duplication.
Coding change: c.878_901dup on transcript NM_001458.5 (MANE Select); coding-DNA positions 878 to 901, 24 bases duplicated (TGCAGCCTGCCCACTTCACCGTGC).
Protein change: p.Val300_Gln301insLeuGlnProAlaHisPheThrVal.
Molecular consequence: inframe insertion.
Genome position (GRCh38, 1-based): chr7:128,837,664-128,837,687, TGCAGCCTGCCCACTTCACCGTGC duplicated; duplicating any 24 consecutive bases within chr7:128,837,656-128,837,687 gives the same sequence; the c. name uses the placement nearest the transcript's 3' end. VCF-style (leftmost placement, unchanged base first): chr7-128837655-A-ACACCGTGCTGCAGCCTGCCCACTT. GRCh37 (hg19) VCF-style: chr7-128477709-A-ACACCGTGCTGCAGCCTGCCCACTT.
Other names: c.878_901dup, p.Val300_Gln301insLeuGlnProAlaHisPheThrVal (NM_001127487.2).
Identifiers: ClinVar variation 3751595 (VCV003751595.3).

ClinVar aggregate classification (germline): Uncertain significance. Review status: criteria provided, multiple submitters, no conflicts (2 of 4 stars). 2 submissions from 2 submitters: Uncertain significance (2). Last evaluated 2026-01-26.

Conditions:
Distal myopathy with posterior leg and anterior hand involvement. Also called: WILLIAMS DISTAL MYOPATHY. Identifiers: Orphanet 63273, MedGen C3279722, MONDO:0013550, OMIM 614065.
Hypertrophic cardiomyopathy 26. Also called: Cardiomyopathy, familial hypertrophic, 26. Identifiers: Orphanet 75249, MedGen C4310749, MONDO:0014883, OMIM 617047.
Myofibrillar myopathy 5. Also called: Filaminopathy (type); FILAMINOPATHY, AUTOSOMAL DOMINANT. Identifiers: Orphanet 171445, MedGen C1836050, MONDO:0012289, OMIM 609524.

Submissions (2):

Labcorp Genetics (formerly Invitae), Labcorp
Classification: Uncertain significance for Distal myopathy with posterior leg and anterior hand involvement; Myofibrillar myopathy 5; Hypertrophic cardiomyopathy 26. Last evaluated: 2026-01-26. Review status: criteria provided, single submitter. Criteria: Invitae Variant Classification Sherloc (09022015). Collection method: clinical testing. Allele origin: germline.
Comment: This variant, c.878_901dup, results in the insertion of 8 amino acid(s) of the FLNC protein (p.Leu293_Val300dup), but otherwise preserves the integrity of the reading frame. This variant is not present in population databases (gnomAD no frequency). This variant has not been reported in the literature in individuals affected with FLNC-related conditions. ClinVar contains an entry for this variant (Variation ID: 3751595). Experimental studies and prediction algorithms are not available or were not evaluated, and the functional significance of this variant is currently unknown. In summary, the available evidence is currently insufficient to determine the role of this variant in disease. Therefore, it has been classified as a Variant of Uncertain Significance.

GeneDx
Classification: Uncertain significance. Last evaluated: 2025-07-17. Review status: criteria provided, single submitter. Criteria: GeneDx Variant Classification Process June 2021. Collection method: clinical testing. Allele origin: germline. Affected: yes.
Comment: Not observed at significant frequency in large population cohorts (gnomAD); In-frame duplication of 8 amino acid(s) in a non-repeat region; Has not been previously published as pathogenic or benign to our knowledge